The following is an entry in ClinVar:

ClinVar aggregate classification (germline): Benign/Likely benign. Review status: criteria provided, multiple submitters, no conflicts (2 of 4 stars). 3 submissions from 3 submitters: Benign (1); Likely benign (2). Last evaluated 2018-07-16.

Conditions:
Amelogenesis imperfecta (AI). Also called: Congenital enamel hypoplasia. Identifiers: Orphanet 88661, MedGen C0002452, MONDO:0019507, HP:0000705.

Allele frequency attached by ClinVar (database versions not stated): gnomAD exomes 0.00092 and 0.00227; ExAC 0.00276; gnomAD 0.00933 and 0.01011; ESP Exome Variant Server 0.00946; 1000 Genomes Project 0.00958; 1000 Genomes Project 30x 0.01046; TOPMed 0.01082.
gnomAD v4.1: 2,812 of 1,601,392 alleles (0.18%); highest among the groups gnomAD compares: African/African-American, 3.1%; 34 homozygotes.

Submissions (3):

Labcorp Genetics (formerly Invitae), Labcorp
Classification: Benign. Last evaluated: 2018-07-16. Review status: criteria provided, single submitter. Criteria: Invitae Variant Classification Sherloc (09022015). Collection method: clinical testing. Allele origin: germline.

Illumina Laboratory Services, Illumina
Classification: Likely benign for Amelogenesis imperfecta. Last evaluated: 2018-01-13. Review status: criteria provided, single submitter. Criteria: ICSL Variant Classification Criteria 13 December 2019. Collection method: clinical testing. Allele origin: germline.
Comment: This variant was observed in the ICSL laboratory as part of a predisposition screen in an ostensibly healthy population. It had not been previously curated by ICSL or reported in the Human Gene Mutation Database (HGMD: prior to June 1st, 2018), and was therefore a candidate for classification through an automated scoring system. Utilizing variant allele frequency, disease prevalence and penetrance estimates, and inheritance mode, an automated score was calculated to assess if this variant is too frequent to cause the disease. Based on the score and internal cut-off values, a variant classified as likely benign is not then subjected to further curation. The score for this variant resulted in a classification of likely benign for this disease.

Breakthrough Genomics
Classification: Likely benign. Review status: criteria provided, single submitter. Criteria: ACMG Guidelines, 2015. Collection method: not provided. Allele origin: germline. Inheritance: Autosomal recessive inheritance. Affected: yes.

NM_031889.3(ENAM):c.177G>T (p.Arg59=)

Gene: ENAM (enamelin; plus strand). Cytogenetic location: 4q13.3.
Variant type: single nucleotide variant.
Coding change: c.177G>T on transcript NM_031889.3 (MANE Select); coding-DNA position 177, G replaced by T.
Protein change: p.Arg59=; no amino-acid change (arginine 59 retained).
Molecular consequence: synonymous variant.
Genome position (GRCh38, 1-based): chr4:70,632,659, G>T. VCF-style: chr4-70632659-G-T. GRCh37 (hg19) VCF-style: chr4-71498376-G-T.
Identifiers: ClinVar variation 716857 (VCV000716857.8), dbSNP rs2609429, ClinGen allele CA2951808.